The following is an entry in ClinVar:

ClinVar aggregate classification (germline): Uncertain significance (1 of 4 stars; one submission).

Submission:

GeneDx
Classification: Uncertain significance. Last evaluated: 2025-08-25. Review status: criteria provided, single submitter. Criteria: GeneDx Variant Classification Process June 2021. Collection method: clinical testing. Allele origin: germline. Affected: yes.
Comment: Not observed at significant frequency in large population cohorts (gnomAD); Has not been previously published as pathogenic or benign to our knowledge; In silico analysis suggests this variant may impact gene splicing. In the absence of RNA/functional studies, the actual effect of this sequence change is unknown.

NM_001083962.2(TCF4):c.1350+5G>A

Gene: TCF4 (transcription factor 4; minus strand). Cytogenetic location: 18q21.2.
Variant type: single nucleotide variant.
Coding change: c.1350+5G>A on transcript NM_001083962.2 (MANE Select); 5 bases into the intron after coding-DNA position 1350, G replaced by A.
Molecular consequence: intron variant.
Genome position (GRCh38, 1-based): chr18:55,254,492, C>T on the plus strand (G>A on the coding strand, the complement: TCF4 is on the minus strand). VCF-style: chr18-55254492-C-T. GRCh37 (hg19) VCF-style: chr18-52921723-C-T.
Other names: c.1656+5G>A (NM_001243226.3); c.1275+5G>A (NM_001369584.1, NM_001369576.1, NM_001369577.1 and 6 more transcripts); c.1278+5G>A (NM_001369582.1, NM_001243227.2, NM_001369583.1 and 5 more transcripts); c.1281+5G>A (NM_001369586.1); c.1350+5G>A (NM_001369571.1, NM_001369567.1, NM_001369572.1 and 2 more transcripts); c.1368+5G>A (NM_001243228.2); c.1341+5G>A (NM_001243230.2); c.1347+5G>A (NM_001369569.1, NM_001369573.1, NM_001369570.1 and 2 more transcripts); and 6 more.
Identifiers: ClinVar variation 4812918 (VCV004812918.1).